The following is an entry in ClinVar:

ClinVar aggregate classification (germline): Uncertain significance. Review status: criteria provided, multiple submitters, no conflicts (2 of 4 stars). 2 submissions from 2 submitters: Uncertain significance (2). Last evaluated 2026-01-05.

Conditions:
Immunodeficiency 14 (IMD14A). Also called: IMMUNODEFICIENCY 14A WITH LYMPHOPROLIFERATION, AUTOSOMAL DOMINANT; Activated PI3K Delta Syndrome Type 1 (APDS1); p110-DELTA-ACTIVATING MUTATION CAUSING SENESCENT T CELLS, LYMPHADENOPATHY, AND IMMUNODEFICIENCY; ACTIVATED PI3K-DELTA SYNDROME 1. Identifiers: Orphanet 397596, Orphanet 693661, MedGen C5907821, MONDO:0014222, OMIM 615513.
Inborn genetic diseases. Identifiers: MedGen C0950123, MeSH D030342.

Allele frequency attached by ClinVar (database versions not stated): gnomAD exomes below 0.00001; gnomAD 0.00001; TOPMed 0.00001.
gnomAD v4.1: 5 of 1,612,422 alleles (0.00031%); highest among the groups gnomAD compares: Admixed American, 0.0017%; no homozygotes.

Submissions (2):

Labcorp Genetics (formerly Invitae), Labcorp
Classification: Uncertain significance for Activated PI3K-delta syndrome. Last evaluated: 2026-01-05. Review status: criteria provided, single submitter. Criteria: Invitae Variant Classification Sherloc (09022015). Collection method: clinical testing. Allele origin: germline.
Comment: This sequence change replaces glutamic acid, which is acidic and polar, with glycine, which is neutral and non-polar, at codon 172 of the PIK3CD protein (p.Glu172Gly). This variant is not present in population databases (gnomAD no frequency). This variant has not been reported in the literature in individuals affected with PIK3CD-related conditions. ClinVar contains an entry for this variant (Variation ID: 2243225). Invitae Evidence Modeling of protein sequence and biophysical properties (such as structural, functional, and spatial information, amino acid conservation, physicochemical variation, residue mobility, and thermodynamic stability) has been performed for this missense variant. However, the output from this modeling did not meet the statistical confidence thresholds required to predict the impact of this variant on PIK3CD protein function. In summary, the available evidence is currently insufficient to determine the role of this variant in disease. Therefore, it has been classified as a Variant of Uncertain Significance.

Ambry Genetics
Classification: Uncertain significance for Inborn genetic diseases. Last evaluated: 2021-08-12. Review status: criteria provided, single submitter. Criteria: Ambry Variant Classification Scheme 2023. Collection method: clinical testing. Allele origin: germline.

NM_005026.5(PIK3CD):c.515A>G (p.Glu172Gly)

Gene: PIK3CD (phosphatidylinositol-4,5-bisphosphate 3-kinase catalytic subunit delta; plus strand). Cytogenetic location: 1p36.22.
Variant type: single nucleotide variant.
Coding change: c.515A>G on transcript NM_005026.5 (MANE Select); coding-DNA position 515, A replaced by G.
Protein change: p.Glu172Gly; replaces glutamic acid 172 with glycine.
Molecular consequence: missense variant.
Genome position (GRCh38, 1-based): chr1:9,715,993, A>G. VCF-style: chr1-9715993-A-G. GRCh37 (hg19) VCF-style: chr1-9776051-A-G.
Other names: c.515A>G, p.Glu172Gly (NM_001350234.2, NM_001350235.1); short protein forms E172G.
Identifiers: ClinVar variation 2243225 (VCV002243225.3), dbSNP rs1373757791, ClinGen allele CA338300792.